The following is an entry in ClinVar:

NM_004218.4(RAB11B):c.635T>C (p.Leu212Pro)

Gene: RAB11B (RAB11B, member RAS oncogene family; plus strand). Cytogenetic location: 19p13.2.
Variant type: single nucleotide variant.
Coding change: c.635T>C on transcript NM_004218.4 (MANE Select); coding-DNA position 635, T replaced by C.
Protein change: p.Leu212Pro; replaces leucine 212 with proline.
Molecular consequence: missense variant.
Genome position (GRCh38, 1-based): chr19:8,403,536, T>C. VCF-style: chr19-8403536-T-C. GRCh37 (hg19) VCF-style: chr19-8468420-T-C.
Other names: c.635T>C (NM_004218.3); short protein forms L212P.
Identifiers: ClinVar variation 2176668 (VCV002176668.5), dbSNP rs1283032090, ClinGen allele CA403717236.
Genomic context (GRCh38, chr19:8,403,536, plus strand): 5'-GGAACAACGTGGTGGACATCAGCGTGCCGCCCACCACGGACGGACAGAAGCCCAACAAGC[T>C]GCAGTGCTGCCAGAACCTGTGACCCCTGCGCCTCCACCCAGCGTGCGTGCACGTCCTCCG-3'
Protein context (NP_004209.2, residues 202-218): PTTDGQKPNK[Leu212Pro]QCCQNL

ClinVar aggregate classification (germline): Uncertain significance. Review status: criteria provided, multiple submitters, no conflicts (2 of 4 stars). 2 submissions from 2 submitters: Uncertain significance (2). Last evaluated 2025-03-24.

Conditions:
Inborn genetic diseases. Identifiers: MedGen C0950123, MeSH D030342.

gnomAD v4.1: 3 of 1,613,618 alleles (0.00019%); highest among the groups gnomAD compares: Admixed American, 0.005%; no homozygotes.

Submissions (2):

Labcorp Genetics (formerly Invitae), Labcorp
Classification: Uncertain significance. Last evaluated: 2025-03-24. Review status: criteria provided, single submitter. Criteria: Invitae Variant Classification Sherloc (09022015). Collection method: clinical testing. Allele origin: germline.
Comment: This sequence change replaces leucine, which is neutral and non-polar, with proline, which is neutral and non-polar, at codon 212 of the RAB11B protein (p.Leu212Pro). This variant is present in population databases (no rsID available, gnomAD 0.003%). This variant has not been reported in the literature in individuals affected with RAB11B-related conditions. ClinVar contains an entry for this variant (Variation ID: 2176668). An algorithm developed to predict the effect of missense changes on protein structure and function (PolyPhen-2) suggests that this variant is likely to be tolerated. In summary, the available evidence is currently insufficient to determine the role of this variant in disease. Therefore, it has been classified as a Variant of Uncertain Significance.

Ambry Genetics
Classification: Uncertain significance for Inborn genetic diseases. Last evaluated: 2025-02-08. Review status: criteria provided, single submitter. Criteria: Ambry Variant Classification Scheme 2023. Collection method: clinical testing. Allele origin: germline.